The following is an entry in ClinVar:

NM_003640.5(ELP1):c.348_351dup (p.Ser118fs)

Gene: ELP1 (elongator acetyltransferase complex subunit 1; minus strand). Cytogenetic location: 9q31.3.
Variant type: Duplication.
Coding change: c.348_351dup on transcript NM_003640.5 (MANE Select); coding-DNA positions 348 to 351, 4 bases duplicated (TTGG; older notation c.348_351dupTTGG).
Protein change: p.Ser118fs; shifts the reading frame from serine 118.
Molecular consequence: frameshift variant. On other transcripts: 5 prime UTR variant (1).
Genome position (GRCh38, 1-based): chr9:108,927,406-108,927,409, CCAA duplicated on the plus strand (TTGG on the coding strand, the reverse complement: ELP1 is on the minus strand); duplicating any 4 consecutive bases within chr9:108,927,406-108,927,410 gives the same sequence; the c. name uses the placement nearest the transcript's 3' end. VCF-style (leftmost placement, unchanged base first): chr9-108927405-T-TCCAA. GRCh37 (hg19) VCF-style: chr9-111689685-T-TCCAA.
Other names: c.348_351dup (LRG_251t1); c.6_9dup, p.Ser4fs (NM_001318360.2); c.-512_-509dup (NM_001330749.2); c.348_351dupTTGG (NM_003640.4); short protein forms S118fs, S4fs.
Identifiers: ClinVar variation 651002 (VCV000651002.7), dbSNP rs1587924452, ClinGen allele CA915947140.

ClinVar aggregate classification (germline): Pathogenic/Likely pathogenic. Review status: criteria provided, multiple submitters, no conflicts (2 of 4 stars). 2 submissions from 2 submitters: Pathogenic (1); Likely pathogenic (1). Last evaluated 2024-04-08.

Conditions:
Familial dysautonomia. Also called: HSAN III; FD. Identifiers: Orphanet 1764, MedGen C0013364, MONDO:0009131, OMIM 223900. Disease mechanism: loss of function.

Submissions (2):

Natera, Inc.
Classification: Likely pathogenic for Familial dysautonomia. Last evaluated: 2024-04-08. Review status: criteria provided, single submitter. Criteria: Natera Variant Classification Schema (03/2026). Collection method: clinical testing. Allele origin: germline.
Comment: The c.348_351dupTTGG variant in ELP1 is a frameshift variant predicted to shift the reading frame beginning at codon 118 and leads to a stop codon 4 codons downstream. This variant is expected to result in nonsense mediated decay, truncation, or a dysfunctional protein product. This variant is rare in the general population with a frequency below the threshold expected for the associated phenotype(s). Given the available evidence, this variant is classified as Likely Pathogenic.

Labcorp Genetics (formerly Invitae), Labcorp
Classification: Pathogenic. Last evaluated: 2018-10-29. Review status: criteria provided, single submitter. Criteria: Invitae Variant Classification Sherloc (09022015). Collection method: clinical testing. Allele origin: germline.
Comment: This variant has not been reported in the literature in individuals with ELP1-related disease. For these reasons, this variant has been classified as Pathogenic. Loss-of-function variants in ELP1 are known to be pathogenic (PMID: 18303054, 24173031). This variant is not present in population databases (ExAC no frequency). This sequence change creates a premature translational stop signal (p.Ser118Leufs*4) in the ELP1 gene. It is expected to result in an absent or disrupted protein product.

Literature cited by the submitters: PubMed 18303054 (cited by Labcorp Genetics (formerly Invitae), Labcorp); PubMed 24173031 (cited by Labcorp Genetics (formerly Invitae), Labcorp).